The following is an entry in ClinVar:

ClinVar aggregate classification (germline): Uncertain significance (1 of 4 stars; one submission).

gnomAD v4.1: 1 of 1,613,466 alleles (0.000062%); highest among the groups gnomAD compares: South Asian, 0.0011%; no homozygotes.

Submission:

Labcorp Genetics (formerly Invitae), Labcorp
Classification: Uncertain significance. Last evaluated: 2023-04-08. Review status: criteria provided, single submitter. Criteria: Invitae Variant Classification Sherloc (09022015). Collection method: clinical testing. Allele origin: germline.
Comment: In summary, the available evidence is currently insufficient to determine the role of this variant in disease. Therefore, it has been classified as a Variant of Uncertain Significance. Advanced modeling of protein sequence and biophysical properties (such as structural, functional, and spatial information, amino acid conservation, physicochemical variation, residue mobility, and thermodynamic stability) performed at Invitae indicates that this missense variant is not expected to disrupt COL2A1 protein function. This variant has not been reported in the literature in individuals affected with COL2A1-related conditions. This variant is not present in population databases (gnomAD no frequency). This sequence change replaces alanine, which is neutral and non-polar, with threonine, which is neutral and polar, at codon 901 of the COL2A1 protein (p.Ala901Thr).

NM_001844.5(COL2A1):c.2701G>A (p.Ala901Thr)

Gene: COL2A1 (collagen type II alpha 1 chain; minus strand). Cytogenetic location: 12q13.11.
Variant type: single nucleotide variant.
Coding change: c.2701G>A on transcript NM_001844.5 (MANE Select); coding-DNA position 2701, G replaced by A.
Protein change: p.Ala901Thr; replaces alanine 901 with threonine.
Molecular consequence: missense variant.
Genome position (GRCh38, 1-based): chr12:47,979,543, C>T on the plus strand (G>A on the coding strand, the complement: COL2A1 is on the minus strand). VCF-style: chr12-47979543-C-T. GRCh37 (hg19) VCF-style: chr12-48373326-C-T.
Other names: c.2494G>A, p.Ala832Thr (NM_033150.3); short protein forms A832T, A901T.
Identifiers: ClinVar variation 2874840 (VCV002874840.3), dbSNP rs2540116859, ClinGen allele CA384543908.
Genomic context (GRCh38, chr12:47,979,543, plus strand): 5'-TGCCTCTCATGCCAGGAGCATCACTTACATTGGAGCCTGGGGGTCCAACGCGGCCAGCAG[C>T]TCCAGGGAATCCAGTGGCTCCCTGTGTGGGGAGAGGAGAGCCCCTGAGAACCTCAAGCCC-3'
Protein context (NP_001835.3, residues 891-911): GPPGATGFPG[Ala901Thr]AGRVGPPGSN